The following is an entry in ClinVar:

NM_182961.4(SYNE1):c.22346+6G>A

Gene: SYNE1 (spectrin repeat containing nuclear envelope protein 1; minus strand). Cytogenetic location: 6q25.2.
Variant type: single nucleotide variant.
Coding change: c.22346+6G>A on transcript NM_182961.4 (MANE Select); 6 bases into the intron after coding-DNA position 22346, G replaced by A.
Molecular consequence: intron variant.
Genome position (GRCh38, 1-based): chr6:152,214,900, C>T on the plus strand (G>A on the coding strand, the complement: SYNE1 is on the minus strand). VCF-style: chr6-152214900-C-T. GRCh37 (hg19) VCF-style: chr6-152536035-C-T.
Other names: c.22133+6G>A (NM_033071.5).
Identifiers: ClinVar variation 2105587 (VCV002105587.4), dbSNP rs368678916, ClinGen allele CA2580075214.
Genomic context (GRCh38, chr6:152,214,900, plus strand): 5'-TTGACATAGCGGCACAAACCAGACTAAGACAACTGGAGCAACCAAGACATCTCTTGTTTA[C>T]TCTACCTGAATCTTTCTGTAGTCTGAGAGGAGATCAGAGACCAATGGCGGTTCAGATTCT-3'

ClinVar aggregate classification (germline): Uncertain significance (1 of 4 stars; one submission).

Conditions:
Emery-Dreifuss muscular dystrophy 4, autosomal dominant (EDMD4). Also called: EMERY-DREIFUSS MUSCULAR DYSTROPHY 4 WITH VARIABLE FEATURES. Identifiers: Orphanet 261, MedGen C2751807, MONDO:0013071, OMIM 612998.
Autosomal recessive ataxia, Beauce type. Also called: SYNE1 Deficiency; Spinocerebellar ataxia, autosomal recessive 8; ATAXIA, RECESSIVE, OF BEAUCE; SYNE1-Related Autosomal Recessive Cerebellar Ataxia. Identifiers: Orphanet 88644, MedGen C1853116, MONDO:0012549, OMIM 610743.

Submission:

Labcorp Genetics (formerly Invitae), Labcorp
Classification: Uncertain significance for Emery-Dreifuss muscular dystrophy 4, autosomal dominant; Autosomal recessive ataxia, Beauce type. Last evaluated: 2022-03-02. Review status: criteria provided, single submitter. Criteria: Invitae Variant Classification Sherloc (09022015). Collection method: clinical testing. Allele origin: germline.
Comment: In summary, the available evidence is currently insufficient to determine the role of this variant in disease. Therefore, it has been classified as a Variant of Uncertain Significance. Variants that disrupt the consensus splice site are a relatively common cause of aberrant splicing (PMID: 17576681, 9536098). Algorithms developed to predict the effect of sequence changes on RNA splicing suggest that this variant is not likely to affect RNA splicing. This variant has not been reported in the literature in individuals affected with SYNE1-related conditions. This variant is not present in population databases (gnomAD no frequency). This sequence change falls in intron 121 of the SYNE1 gene. It does not directly change the encoded amino acid sequence of the SYNE1 protein. It affects a nucleotide within the consensus splice site.

Literature cited by the submitters: PubMed 17576681; PubMed 9536098.